The following is an entry in ClinVar:

ClinVar aggregate classification (germline): Pathogenic (1 of 4 stars; one submission).

Conditions:
Wilson disease (WND). Also called: Wilson's disease. Identifiers: Orphanet 905, MedGen C0019202, MONDO:0010200, OMIM 277900. Disease mechanism: loss of function.

Submission:

Labcorp Genetics (formerly Invitae), Labcorp
Classification: Pathogenic for Wilson disease. Last evaluated: 2024-01-29. Review status: criteria provided, single submitter. Criteria: Invitae Variant Classification Sherloc (09022015). Collection method: clinical testing. Allele origin: germline.
Comment: This sequence change creates a premature translational stop signal (p.Tyr190*) in the ATP7B gene. It is expected to result in an absent or disrupted protein product. Loss-of-function variants in ATP7B are known to be pathogenic (PMID: 10441329, 16283883). This variant is not present in population databases (gnomAD no frequency). This variant has not been reported in the literature in individuals affected with ATP7B-related conditions. For these reasons, this variant has been classified as Pathogenic.

Literature cited by the submitters: PubMed 10441329; PubMed 16283883.

NM_000053.4(ATP7B):c.570T>A (p.Tyr190Ter)

Gene: ATP7B (ATPase copper transporting beta; minus strand). Cytogenetic location: 13q14.3.
Variant type: single nucleotide variant.
Coding change: c.570T>A on transcript NM_000053.4 (MANE Select); coding-DNA position 570, T replaced by A.
Protein change: p.Tyr190Ter; replaces tyrosine 190 with a stop codon.
Molecular consequence: nonsense.
Genome position (GRCh38, 1-based): chr13:51,974,650, A>T on the plus strand (T>A on the coding strand, the complement: ATP7B is on the minus strand). VCF-style: chr13-51974650-A-T. GRCh37 (hg19) VCF-style: chr13-52548786-A-T.
Other names: c.570T>A, p.Tyr190Ter (NM_001406523.1, NM_001406524.1, NM_001406525.1 and 30 more transcripts); c.474T>A, p.Tyr158Ter (NM_001406530.1, NM_001406544.1, NM_001406517.1 and 4 more transcripts); short protein forms Y158*, Y190*.
Identifiers: ClinVar variation 2708421 (VCV002708421.3), dbSNP rs2140096468, ClinGen allele CA388042654.
Genomic context (GRCh38, chr13:51,974,650, plus strand): 5'-GATGGCAGCTTCAAATCCCATGTCATTTACATGGTCCCTGAGGTCTTCGGGCTGAATGAG[A>T]TAAGGCTGATAAGTGATGACGGCCTCTTGGTTGCTGAGTGAGACTTTGACTCTCACTACT-3'